The following is an entry in ClinVar:

NM_005908.4(MANBA):c.2018A>G (p.Tyr673Cys)

Gene: MANBA (mannosidase beta; minus strand). Cytogenetic location: 4q24.
Variant type: single nucleotide variant.
Coding change: c.2018A>G on transcript NM_005908.4 (MANE Select); coding-DNA position 2018, A replaced by G.
Protein change: p.Tyr673Cys; replaces tyrosine 673 with cysteine.
Molecular consequence: missense variant.
Genome position (GRCh38, 1-based): chr4:102,636,004, T>C on the plus strand (A>G on the coding strand, the complement: MANBA is on the minus strand). VCF-style: chr4-102636004-T-C. GRCh37 (hg19) VCF-style: chr4-103557161-T-C.
Other names: short protein forms Y673C.
Identifiers: ClinVar variation 934847 (VCV000934847.2), dbSNP rs1729616711, ClinGen allele CA357757408.

ClinVar aggregate classification (germline): Uncertain significance (1 of 4 stars; one submission).

Conditions:
Beta-D-mannosidosis (MANSB). Also called: MANNOSIDOSIS, BETA A, LYSOSOMAL; BETA-MANNOSIDASE DEFICIENCY; LYSOSOMAL BETA-MANNOSIDASE DEFICIENCY; Beta-Mannosidosis. Identifiers: Orphanet 118, MedGen C4048196, MONDO:0009562, OMIM 248510.

Allele frequency attached by ClinVar (database versions not stated): gnomAD exomes below 0.00001.
gnomAD v4.1: 3 of 1,613,544 alleles (0.00019%); highest among the groups gnomAD compares: Admixed American, 0.0017%; no homozygotes.

Submission:

Labcorp Genetics (formerly Invitae), Labcorp
Classification: Uncertain significance for Beta-D-mannosidosis. Last evaluated: 2019-09-11. Review status: criteria provided, single submitter. Criteria: Invitae Variant Classification Sherloc (09022015). Collection method: clinical testing. Allele origin: germline.
Comment: This sequence change replaces tyrosine with cysteine at codon 673 of the MANBA protein (p.Tyr673Cys). The tyrosine residue is moderately conserved and there is a large physicochemical difference between tyrosine and cysteine. This variant is not present in population databases (ExAC no frequency). This variant has not been reported in the literature in individuals with MANBA-related conditions. Algorithms developed to predict the effect of missense changes on protein structure and function are either unavailable or do not agree on the potential impact of this missense change (SIFT: Deleterious; PolyPhen-2: Probably Damaging; Align-GVGD: Class C0). In summary, the available evidence is currently insufficient to determine the role of this variant in disease. Therefore, it has been classified as a Variant of Uncertain Significance.